The following is an entry in ClinVar:

ClinVar aggregate classification (germline): Uncertain significance. Review status: criteria provided, multiple submitters, no conflicts (2 of 4 stars). 5 submissions from 5 submitters: Uncertain significance (5). Last evaluated 2025-12-15.

Conditions:
Hereditary cancer-predisposing syndrome. Also called: Tumor predisposition; Hereditary Cancer Syndrome; Neoplastic Syndromes, Hereditary; Hereditary neoplastic syndrome. Identifiers: Orphanet 140162, MedGen C0027672, MeSH D009386, MONDO:0015356.
Prostate cancer, hereditary, 9 (HPC9). Identifiers: Orphanet 1331, MedGen C1970250, MONDO:0012597, OMIM 610997.

Allele frequency attached by ClinVar (database versions not stated): gnomAD exomes below 0.00001; ExAC 0.00001.

Submissions (5):

Labcorp Genetics (formerly Invitae), Labcorp
Classification: Uncertain significance. Last evaluated: 2025-12-15. Review status: criteria provided, single submitter. Criteria: Invitae Variant Classification Sherloc (09022015). Collection method: clinical testing. Allele origin: germline.
Comment: This sequence change replaces arginine, which is basic and polar, with glutamine, which is neutral and polar, at codon 94 of the HOXB13 protein (p.Arg94Gln). This variant is present in population databases (rs756135357, gnomAD 0.0009%). This variant has not been reported in the literature in individuals affected with HOXB13-related conditions. ClinVar contains an entry for this variant (Variation ID: 821851). Invitae Evidence Modeling of protein sequence and biophysical properties (such as structural, functional, and spatial information, amino acid conservation, physicochemical variation, residue mobility, and thermodynamic stability) indicates that this missense variant is not expected to disrupt HOXB13 protein function with a negative predictive value of 80%. In summary, the available evidence is currently insufficient to determine the role of this variant in disease. Therefore, it has been classified as a Variant of Uncertain Significance.

Quest Diagnostics Nichols Institute San Juan Capistrano
Classification: Uncertain significance. Last evaluated: 2024-12-17. Review status: criteria provided, single submitter. Criteria: Quest Diagnostics criteria. Collection method: clinical testing. Allele origin: unknown.
Comment: The HOXB13 c.281G>A (p.Arg94Gln) variant has not been reported in individuals with HOXB13-related conditions in the published literature. It also has not been reported in large, multi-ethnic general populations (Genome Aggregation Database). Analysis of this variant using bioinformatics tools for the prediction of the effect of amino acid changes on protein structure and function yielded conflicting predictions that this variant is benign or damaging. Based on the available information, we are unable to determine the clinical significance of this variant.

GeneDx
Classification: Uncertain significance. Last evaluated: 2024-01-21. Review status: criteria provided, single submitter. Criteria: GeneDx Variant Classification Process June 2021. Collection method: clinical testing. Allele origin: germline. Affected: yes.
Comment: Not observed at significant frequency in large population cohorts (gnomAD); In silico analysis supports that this missense variant does not alter protein structure/function; Has not been previously published as pathogenic or benign to our knowledge; This variant is associated with the following publications: (PMID: 28272408)

Ambry Genetics
Classification: Uncertain significance for Hereditary cancer-predisposing syndrome. Last evaluated: 2023-12-31. Review status: criteria provided, single submitter. Criteria: Ambry Variant Classification Scheme 2023. Collection method: clinical testing. Allele origin: germline.
Comment: The p.R94Q variant (also known as c.281G>A), located in coding exon 1 of the HOXB13 gene, results from a G to A substitution at nucleotide position 281. The arginine at codon 94 is replaced by glutamine, an amino acid with highly similar properties. This amino acid position is well conserved in available vertebrate species. In addition, this alteration is predicted to be tolerated by in silico analysis. Since supporting evidence is limited at this time, the clinical significance of this alteration remains unclear.

Department of Pathology and Laboratory Medicine, Sinai Health System
Classification: Uncertain significance for Prostate cancer, hereditary, 9. Last evaluated: 2023-10-19. Review status: criteria provided, single submitter. Criteria: ACMG Guidelines, 2015. Collection method: clinical testing. Allele origin: germline. Affected: no.

NM_006361.6(HOXB13):c.281G>A (p.Arg94Gln)

Gene: HOXB13 (homeobox B13; minus strand). Cytogenetic location: 17q21.32.
Variant type: single nucleotide variant.
Coding change: c.281G>A on transcript NM_006361.6 (MANE Select); coding-DNA position 281, G replaced by A.
Protein change: p.Arg94Gln; replaces arginine 94 with glutamine.
Molecular consequence: missense variant.
Genome position (GRCh38, 1-based): chr17:48,728,313, C>T on the plus strand (G>A on the coding strand, the complement: HOXB13 is on the minus strand). VCF-style: chr17-48728313-C-T. GRCh37 (hg19) VCF-style: chr17-46805675-C-T.
Other names: short protein forms R94Q.
Identifiers: ClinVar variation 821851 (VCV000821851.15), dbSNP rs756135357, ClinGen allele CA8634028.